The following is an entry in ClinVar:

NM_001385012.1(NBEA):c.3362A>G (p.Asn1121Ser)

Gene: NBEA (neurobeachin; plus strand). Cytogenetic location: 13q13.3.
Variant type: single nucleotide variant.
Coding change: c.3362A>G on transcript NM_001385012.1 (MANE Select); coding-DNA position 3362, A replaced by G.
Protein change: p.Asn1121Ser; replaces asparagine 1121 with serine.
Molecular consequence: missense variant.
Genome position (GRCh38, 1-based): chr13:35,159,533, A>G. VCF-style: chr13-35159533-A-G. GRCh37 (hg19) VCF-style: chr13-35733670-A-G.
Other names: c.3362A>G, p.Asn1121Ser (NM_001379245.1, NM_015678.5); short protein forms N1121S.
Identifiers: ClinVar variation 1810454 (VCV001810454.1), dbSNP rs2503630512, ClinGen allele CA387837608.

ClinVar aggregate classification (germline): Uncertain significance (1 of 4 stars; one submission).

Submission:

GeneDx
Classification: Uncertain significance. Last evaluated: 2022-07-05. Review status: criteria provided, single submitter. Criteria: GeneDx Variant Classification Process June 2021. Collection method: clinical testing. Allele origin: germline. Affected: yes.
Comment: Not observed at significant frequency in large population cohorts (gnomAD); In silico analysis supports that this missense variant does not alter protein structure/function; Has not been previously published as pathogenic or benign to our knowledge